The following is an entry in ClinVar:

ClinVar aggregate classification (germline): Likely benign (1 of 4 stars; one submission).

Conditions:
Leigh syndrome (NULS). Also called: Leigh's necrotizing encephalopathy; Leigh's disease; Leigh Syndrome (mtDNA deletion); Leigh Disease; Subacute necrotizing encephalopathy; Necrotizing encephalopathy infantile subacute of Leigh. Identifiers: Orphanet 506, MedGen C2931891, MONDO:0009723, OMIM 256000.

Submission:

Wong Mito Lab, Molecular and Human Genetics, Baylor College of Medicine
Classification: Likely benign for Leigh syndrome. Last evaluated: 2019-10-17. Review status: criteria provided, single submitter. Criteria: Modified ACMG Guidelines (Unpublished). Collection method: clinical testing. Allele origin: germline.
Comment: The NC_012920.1:m.5320C>T (YP_003024027.1:p.Thr284Ile) variant in MTND2 gene is interpretated to be a Likely Benign variant based on the modified ACMG guidelines (unpublished). This variant meets the following evidence codes: BP4, BP5

NC_012920.1(MT-ND2):m.5320C>T

Gene: MT-ND2 (mitochondrially encoded NADH dehydrogenase 2; plus strand).
Variant type: single nucleotide variant.
Genome position: chrM-5320-C-T.
Identifiers: ClinVar variation 692580 (VCV000692580.1), dbSNP rs1603219899, ClinGen allele CA414779819.